The following is an entry in ClinVar:

ClinVar aggregate classification (germline): Uncertain significance (1 of 4 stars; one submission).

gnomAD v4.1: 3 of 1,551,540 alleles (0.00019%); highest among the groups gnomAD compares: South Asian, 0.0012%; no homozygotes.

Submission:

Labcorp Genetics (formerly Invitae), Labcorp
Classification: Uncertain significance. Last evaluated: 2022-04-26. Review status: criteria provided, single submitter. Criteria: Invitae Variant Classification Sherloc (09022015). Collection method: clinical testing. Allele origin: germline.
Comment: This variant has not been reported in the literature in individuals affected with LOXHD1-related conditions. In summary, the available evidence is currently insufficient to determine the role of this variant in disease. Therefore, it has been classified as a Variant of Uncertain Significance. Algorithms developed to predict the effect of sequence changes on RNA splicing suggest that this variant may create or strengthen a splice site. Algorithms developed to predict the effect of missense changes on protein structure and function are either unavailable or do not agree on the potential impact of this missense change (SIFT: "Deleterious"; PolyPhen-2: "Benign"; Align-GVGD: "Class C0"). This variant is present in population databases (no rsID available, gnomAD 0.004%). This sequence change replaces valine, which is neutral and non-polar, with isoleucine, which is neutral and non-polar, at codon 370 of the LOXHD1 protein (p.Val370Ile).

NM_001384474.1(LOXHD1):c.1108G>A (p.Val370Ile)

Gene: LOXHD1 (lipoxygenase homology PLAT domains 1; minus strand). Cytogenetic location: 18q21.1.
Variant type: single nucleotide variant.
Coding change: c.1108G>A on transcript NM_001384474.1 (MANE Select); coding-DNA position 1108, G replaced by A.
Protein change: p.Val370Ile; replaces valine 370 with isoleucine.
Molecular consequence: missense variant.
Genome position (GRCh38, 1-based): chr18:46,601,243, C>T on the plus strand (G>A on the coding strand, the complement: LOXHD1 is on the minus strand). VCF-style: chr18-46601243-C-T. GRCh37 (hg19) VCF-style: chr18-44181206-C-T.
Other names: c.1108G>A, p.Val370Ile (NM_144612.7); short protein forms V370I.
Identifiers: ClinVar variation 2103530 (VCV002103530.4), dbSNP rs1290006681, ClinGen allele CA402381517.